The following is an entry in ClinVar:

NM_015662.3(IFT172):c.2036C>T (p.Thr679Ile)

Gene: IFT172 (intraflagellar transport 172; minus strand). Cytogenetic location: 2p23.3.
Variant type: single nucleotide variant.
Coding change: c.2036C>T on transcript NM_015662.3 (MANE Select); coding-DNA position 2036, C replaced by T.
Protein change: p.Thr679Ile; replaces threonine 679 with isoleucine.
Molecular consequence: missense variant.
Genome position (GRCh38, 1-based): chr2:27,462,780, G>A on the plus strand (C>T on the coding strand, the complement: IFT172 is on the minus strand). VCF-style: chr2-27462780-G-A. GRCh37 (hg19) VCF-style: chr2-27685647-G-A.
Other names: short protein forms T679I.
Identifiers: ClinVar variation 647005 (VCV000647005.12), dbSNP rs369169776, ClinGen allele CA1580427.
Genomic context (GRCh38, chr2:27,462,780, plus strand): 5'-TCAGCCAGTTTGTAGTTCTTTTCCAGCATGGCTAGACGTGCTCGGACCTGATAAAAGTCT[G>A]TTCCTTCTCCGCCCTGTGGGGGAAAAAGGAGGTTCTGATTTTTCTGTAGGTGCTGCCATT-3'
Protein context (NP_056477.1, residues 669-689): QVSREYGGEG[Thr679Ile]DFYQVRARLA

ClinVar aggregate classification (germline): Uncertain significance. Review status: criteria provided, multiple submitters, no conflicts (2 of 4 stars). 4 submissions from 4 submitters: Uncertain significance (4). Last evaluated 2026-06-01.

Conditions:
IFT172-related disorder. Also called: IFT172-related condition; IFT172-related disorders.
Bardet-Biedl syndrome 20. Identifiers: MedGen C4310707, MONDO:0023670, OMIM 619471, MONDO:0014926.
Short-rib thoracic dysplasia 10 with or without polydactyly (SRTD10). Identifiers: Orphanet 474, MedGen C3810175, MONDO:0014284, OMIM 615630.
Retinitis pigmentosa 71 (RP71). Identifiers: Orphanet 791, MedGen C4225342, MONDO:0014618, OMIM 616394.

Allele frequency attached by ClinVar (database versions not stated): ExAC 0.00002; gnomAD exomes 0.00002; gnomAD 0.00004 and 0.00005; TOPMed 0.00004; ESP Exome Variant Server 0.00015.
gnomAD v4.1: 28 of 1,613,918 alleles (0.0017%); highest among the groups gnomAD compares: African/African-American, 0.0053%; no homozygotes.

Submissions (4):

PreventionGenetics, part of Exact Sciences
Classification: Uncertain significance for IFT172-related condition. Last evaluated: 2026-06-01. Review status: criteria provided, single submitter. Criteria: ACMG Guidelines, 2015. Collection method: clinical testing. Allele origin: germline.
Comment: The IFT172 c.2036C>T variant is predicted to result in the amino acid substitution p.Thr679Ile. To our knowledge, this variant has not been reported in the literature. This variant is reported in 0.0080% of alleles in individuals of African descent in gnomAD. At this time, the clinical significance of this variant is uncertain due to the absence of conclusive functional and genetic evidence.

Fulgent Genetics
Classification: Uncertain significance for Short-rib thoracic dysplasia 10 with or without polydactyly; Retinitis pigmentosa 71; Bardet-Biedl syndrome 20. Last evaluated: 2024-02-26. Review status: criteria provided, single submitter. Criteria: ACMG Guidelines, 2015. Collection method: clinical testing. Allele origin: germline.

Blueprint Genetics
Classification: Uncertain significance. Last evaluated: 2022-10-25. Review status: criteria provided, single submitter. Criteria: ACMG Guidelines, 2015. Collection method: clinical testing. Allele origin: germline.

Labcorp Genetics (formerly Invitae), Labcorp
Classification: Uncertain significance for Retinitis pigmentosa 71; Short-rib thoracic dysplasia 10 with or without polydactyly. Last evaluated: 2022-03-23. Review status: criteria provided, single submitter. Criteria: Invitae Variant Classification Sherloc (09022015). Collection method: clinical testing. Allele origin: germline.
Comment: This sequence change replaces threonine, which is neutral and polar, with isoleucine, which is neutral and non-polar, at codon 679 of the IFT172 protein (p.Thr679Ile). This variant is present in population databases (rs369169776, gnomAD 0.008%). This variant has not been reported in the literature in individuals affected with IFT172-related conditions. ClinVar contains an entry for this variant (Variation ID: 647005). Algorithms developed to predict the effect of missense changes on protein structure and function (SIFT, PolyPhen-2, Align-GVGD) all suggest that this variant is likely to be tolerated. In summary, the available evidence is currently insufficient to determine the role of this variant in disease. Therefore, it has been classified as a Variant of Uncertain Significance.